The following is an entry in ClinVar:

NM_003070.5(SMARCA2):c.1877+6G>A

Gene: SMARCA2 (SWI/SNF related BAF chromatin remodeling complex subunit ATPase 2; plus strand). Cytogenetic location: 9p24.3.
Variant type: single nucleotide variant.
Coding change: c.1877+6G>A on transcript NM_003070.5 (MANE Select); 6 bases into the intron after coding-DNA position 1877, G replaced by A.
Molecular consequence: intron variant.
Genome position (GRCh38, 1-based): chr9:2,073,348, G>A. VCF-style: chr9-2073348-G-A. GRCh37 (hg19) VCF-style: chr9-2073348-G-A.
Other names: c.1877+6G>A (NM_139045.4, NM_001289397.2, NM_001289396.2).
Identifiers: ClinVar variation 3627413 (VCV003627413.2).

ClinVar aggregate classification (germline): Uncertain significance (1 of 4 stars; one submission).

gnomAD v4.1: 13 of 1,614,002 alleles (0.00081%); highest among the groups gnomAD compares: Middle Eastern, 0.033%; no homozygotes.

Submission:

Labcorp Genetics (formerly Invitae), Labcorp
Classification: Uncertain significance. Last evaluated: 2025-03-19. Review status: criteria provided, single submitter. Criteria: Invitae Variant Classification Sherloc (09022015). Collection method: clinical testing. Allele origin: germline.
Comment: This sequence change falls in intron 11 of the SMARCA2 gene. It does not directly change the encoded amino acid sequence of the SMARCA2 protein. It affects a nucleotide within the consensus splice site. This variant is present in population databases (rs774058791, gnomAD 0.0009%). This variant has not been reported in the literature in individuals affected with SMARCA2-related conditions. Variants that disrupt the consensus splice site are a relatively common cause of aberrant splicing (PMID: 17576681, 9536098). Algorithms developed to predict the effect of sequence changes on RNA splicing suggest that this variant is not likely to affect RNA splicing. In summary, the available evidence is currently insufficient to determine the role of this variant in disease. Therefore, it has been classified as a Variant of Uncertain Significance.

Literature cited by the submitters: PubMed 17576681; PubMed 9536098.